The following is an entry in ClinVar:

NM_001379286.1(ZNF423):c.3467C>T (p.Pro1156Leu)

Gene: ZNF423 (zinc finger protein 423; minus strand). Cytogenetic location: 16q12.1.
Variant type: single nucleotide variant.
Coding change: c.3467C>T on transcript NM_001379286.1 (MANE Select); coding-DNA position 3467, C replaced by T.
Protein change: p.Pro1156Leu; replaces proline 1156 with leucine.
Molecular consequence: missense variant.
Genome position (GRCh38, 1-based): chr16:49,635,709, G>A on the plus strand (C>T on the coding strand, the complement: ZNF423 is on the minus strand). VCF-style: chr16-49635709-G-A. GRCh37 (hg19) VCF-style: chr16-49669620-G-A.
Other names: c.3263C>T, p.Pro1088Leu (NM_001271620.2); c.3092C>T, p.Pro1031Leu (NM_001330533.2); c.3443C>T, p.Pro1148Leu (NM_015069.5); c.3443C>T (NM_015069.2); short protein forms P1088L, P1148L, P1031L, P1156L.
Identifiers: ClinVar variation 426244 (VCV000426244.11), dbSNP rs756742718, ClinGen allele CA8046294.

ClinVar aggregate classification (germline): Conflicting classifications of pathogenicity. Review status: criteria provided, conflicting classifications (1 of 4 stars). 4 submissions from 4 submitters: Uncertain significance (3); Likely benign (1). Last evaluated 2025-03-06.

Conditions:
Nephronophthisis 14 (NPHP14). Identifiers: Orphanet 2318, MedGen C3539071, MONDO:0013916, OMIM 614844.

Allele frequency attached by ClinVar (database versions not stated): gnomAD 0.00001 and 0.00003; TOPMed 0.00009; gnomAD exomes 0.00013; ExAC 0.00014.
gnomAD v4.1: 106 of 1,604,970 alleles (0.0066%); highest among the groups gnomAD compares: Middle Eastern, 0.2%; 3 homozygotes.

Submissions (4):

Labcorp Genetics (formerly Invitae), Labcorp
Classification: Likely benign for Nephronophthisis 14. Last evaluated: 2025-03-06. Review status: criteria provided, single submitter. Criteria: Invitae Variant Classification Sherloc (09022015). Collection method: clinical testing. Allele origin: germline.

Ambry Genetics
Classification: Uncertain significance. Last evaluated: 2024-11-14. Review status: criteria provided, single submitter. Criteria: Ambry Variant Classification Scheme 2023. Collection method: clinical testing. Allele origin: germline.

Blueprint Genetics
Classification: Uncertain significance. Last evaluated: 2024-10-16. Review status: criteria provided, single submitter. Criteria: ACMG Guidelines, 2015. Collection method: clinical testing. Allele origin: germline.

GeneDx
Classification: Uncertain significance. Last evaluated: 2017-04-25. Review status: criteria provided, single submitter. Criteria: GeneDx Variant Classification (06012015). Collection method: clinical testing. Allele origin: germline. Affected: yes.
Comment: The P1148L variant in the ZNF423 gene has not been reported previously as a pathogenic variant, nor as a benign variant, to our knowledge. The P1148L variant is observed in 14/11518 (0.12%) alleles from individuals of Latino background, in large population cohorts (Lek et al., 2016; 1000 Genomes Consortium et al., 2015; Exome Variant Server). The P1148L variant is a semi-conservative amino acid substitution, which may impact secondary protein structure as these residues differ in some properties. This substitution occurs at a position that is conserved in mammals. In silico analysis predicts this variant is probably damaging to the protein structure/function. We interpret P1148L as a variant of uncertain significance.